The following is an entry in ClinVar:

ClinVar aggregate classification (germline): Uncertain significance (1 of 4 stars; one submission).

gnomAD v4.1: 12 of 865,410 alleles (0.0014%); highest among the groups gnomAD compares: African/African-American, 0.018%; no homozygotes.

Submission:

Labcorp Genetics (formerly Invitae), Labcorp
Classification: Uncertain significance. Last evaluated: 2022-01-17. Review status: criteria provided, single submitter. Criteria: Invitae Variant Classification Sherloc (09022015). Collection method: clinical testing. Allele origin: germline.
Comment: In summary, the available evidence is currently insufficient to determine the role of this variant in disease. Therefore, it has been classified as a Variant of Uncertain Significance. Experimental studies and prediction algorithms are not available or were not evaluated, and the functional significance of this variant is currently unknown. This variant has not been reported in the literature in individuals affected with REEP6-related conditions. This variant is present in population databases (no rsID available, gnomAD 0.01%). This sequence change replaces proline, which is neutral and non-polar, with arginine, which is basic and polar, at codon 186 of the REEP6 protein (p.Pro186Arg).

NM_001329556.3(REEP6):c.557C>G (p.Pro186Arg)

Gene: REEP6 (receptor accessory protein 6; plus strand). Cytogenetic location: 19p13.3.
Variant type: single nucleotide variant.
Coding change: c.557C>G on transcript NM_001329556.3 (MANE Plus Clinical); coding-DNA position 557, C replaced by G.
Protein change: p.Pro186Arg; replaces proline 186 with arginine.
Molecular consequence: missense variant. On other transcripts: intron variant (1).
Genome position (GRCh38, 1-based): chr19:1,496,630, C>G. VCF-style: chr19-1496630-C-G. GRCh37 (hg19) VCF-style: chr19-1496629-C-G.
Other names: c.517+177C>G (NM_138393.4); short protein forms P186R.
Identifiers: ClinVar variation 1476384 (VCV001476384.4), dbSNP rs770429286, ClinGen allele CA304053496.